The following is an entry in ClinVar:

ClinVar aggregate classification (germline): Uncertain significance (1 of 4 stars; one submission).

Submission:

Labcorp Genetics (formerly Invitae), Labcorp
Classification: Uncertain significance. Last evaluated: 2025-09-28. Review status: criteria provided, single submitter. Criteria: Invitae Variant Classification Sherloc (09022015). Collection method: clinical testing. Allele origin: germline.
Comment: This sequence change replaces valine, which is neutral and non-polar, with leucine, which is neutral and non-polar, at codon 633 of the IMPG1 protein (p.Val633Leu). This variant is not present in population databases (gnomAD no frequency). This variant has not been reported in the literature in individuals affected with IMPG1-related conditions. An algorithm developed to predict the effect of missense changes on protein structure and function (PolyPhen-2) suggests that this variant is likely to be disruptive. In summary, the available evidence is currently insufficient to determine the role of this variant in disease. Therefore, it has been classified as a Variant of Uncertain Significance.

NM_001563.4(IMPG1):c.1897G>T (p.Val633Leu)

Gene: IMPG1 (interphotoreceptor matrix proteoglycan 1; minus strand). Cytogenetic location: 6q14.1.
Variant type: single nucleotide variant.
Coding change: c.1897G>T on transcript NM_001563.4 (MANE Select); coding-DNA position 1897, G replaced by T.
Protein change: p.Val633Leu; replaces valine 633 with leucine.
Molecular consequence: missense variant.
Genome position (GRCh38, 1-based): chr6:75,947,461, C>A on the plus strand (G>T on the coding strand, the complement: IMPG1 is on the minus strand). VCF-style: chr6-75947461-C-A. GRCh37 (hg19) VCF-style: chr6-76657178-C-A.
Other names: c.1663G>T, p.Val555Leu (NM_001282368.2); short protein forms V555L, V633L.
Identifiers: ClinVar variation 4727542 (VCV004727542.1).